The following is an entry in ClinVar:

ClinVar aggregate classification (germline): Uncertain significance (1 of 4 stars; one submission).

gnomAD v4.1: 4 of 1,523,846 alleles (0.00026%); highest among the groups gnomAD compares: Non-Finnish European, 0.00035%; no homozygotes.

Submission:

Ambry Genetics
Classification: Uncertain significance. Last evaluated: 2025-06-26. Review status: criteria provided, single submitter. Criteria: Ambry Variant Classification Scheme 2023. Collection method: clinical testing. Allele origin: germline.
Comment: The p.A1816S variant (also known as c.5446G>T), located in coding exon 22 of the WNK2 gene, results from a G to T substitution at nucleotide position 5446. The alanine at codon 1816 is replaced by serine, an amino acid with similar properties. This amino acid position is conserved. In addition, this alteration is predicted to be tolerated by in silico analysis. Based on the available evidence, the clinical significance of this variant remains unclear.

NM_006648.4(WNK2):c.5446G>T (p.Ala1816Ser)

Gene: WNK2 (WNK lysine deficient protein kinase 2; plus strand). Cytogenetic location: 9q22.31.
Variant type: single nucleotide variant.
Coding change: c.5446G>T on transcript NM_006648.4 (MANE Select); coding-DNA position 5446, G replaced by T.
Protein change: p.Ala1816Ser; replaces alanine 1816 with serine.
Molecular consequence: missense variant.
Genome position (GRCh38, 1-based): chr9:93,292,911, G>T. VCF-style: chr9-93292911-G-T. GRCh37 (hg19) VCF-style: chr9-96055193-G-T.
Other names: c.5557G>T, p.Ala1853Ser (NM_001282394.3); short protein forms A1853S, A1816S.
Identifiers: ClinVar variation 4201565 (VCV004201565.1).